The following is an entry in ClinVar:

NM_014844.5(TECPR2):c.1085-163T>C

Gene: TECPR2 (tectonin beta-propeller repeat containing 2; plus strand). Cytogenetic location: 14q32.31.
Variant type: single nucleotide variant.
Coding change: c.1085-163T>C on transcript NM_014844.5 (MANE Select); 163 bases into the intron before coding-DNA position 1085, T replaced by C.
Molecular consequence: intron variant.
Genome position (GRCh38, 1-based): chr14:102,431,633, T>C. VCF-style: chr14-102431633-T-C. GRCh37 (hg19) VCF-style: chr14-102897970-T-C.
Other names: c.1085-163T>C (NM_001172631.3).
Identifiers: ClinVar variation 672576 (VCV000672576.2), dbSNP rs117648389, ClinGen allele CA267056010.

ClinVar aggregate classification (germline): Benign. Review status: criteria provided, multiple submitters, no conflicts (2 of 4 stars). 2 submissions from 2 submitters: Benign (2). Last evaluated 2018-06-14.

Allele frequency attached by ClinVar (database versions not stated): gnomAD 0.05655 and 0.05896; TOPMed 0.05856; 1000 Genomes Project 0.06989.
gnomAD v4.1: 8,974 of 152,282 alleles (5.9%); highest among the groups gnomAD compares: East Asian, 14%; 338 homozygotes.

Submissions (2):

GeneDx
Classification: Benign. Last evaluated: 2018-06-14. Review status: criteria provided, single submitter. Criteria: GeneDx Variant Classification (06012015). Collection method: clinical testing. Allele origin: germline. Affected: yes.
Comment: This variant is considered likely benign or benign based on one or more of the following criteria: it is a conservative change, it occurs at a poorly conserved position in the protein, it is predicted to be benign by multiple in silico algorithms, and/or has population frequency not consistent with disease.

Breakthrough Genomics
Classification: Benign. Review status: criteria provided, single submitter. Criteria: ACMG Guidelines, 2015. Collection method: not provided. Allele origin: germline. Inheritance: Autosomal recessive inheritance. Affected: yes.